The following is an entry in ClinVar:

ClinVar aggregate classification (germline): Uncertain significance (1 of 4 stars; one submission).

Allele frequency attached by ClinVar (database versions not stated): gnomAD exomes below 0.00001; ExAC 0.00001.
gnomAD v4.1: 7 of 1,614,212 alleles (0.00043%); highest among the groups gnomAD compares: Non-Finnish European, 0.00034%; no homozygotes.

Submission:

Labcorp Genetics (formerly Invitae), Labcorp
Classification: Uncertain significance. Last evaluated: 2023-08-10. Review status: criteria provided, single submitter. Criteria: Invitae Variant Classification Sherloc (09022015). Collection method: clinical testing. Allele origin: germline.
Comment: This sequence change replaces glycine, which is neutral and non-polar, with serine, which is neutral and polar, at codon 325 of the DLL3 protein (p.Gly325Ser). This variant is present in population databases (rs780479340, gnomAD 0.004%). This variant has not been reported in the literature in individuals affected with DLL3-related conditions. ClinVar contains an entry for this variant (Variation ID: 1506258). An algorithm developed to predict the effect of missense changes on protein structure and function (PolyPhen-2) suggests that this variant is likely to be disruptive. In summary, the available evidence is currently insufficient to determine the role of this variant in disease. Therefore, it has been classified as a Variant of Uncertain Significance.

NM_203486.3(DLL3):c.973G>A (p.Gly325Ser)

Gene: DLL3 (delta like canonical Notch ligand 3; plus strand). Cytogenetic location: 19q13.2.
Variant type: single nucleotide variant.
Coding change: c.973G>A on transcript NM_203486.3 (MANE Select); coding-DNA position 973, G replaced by A.
Protein change: p.Gly325Ser; replaces glycine 325 with serine.
Molecular consequence: missense variant.
Genome position (GRCh38, 1-based): chr19:39,505,331, G>A. VCF-style: chr19-39505331-G-A. GRCh37 (hg19) VCF-style: chr19-39995971-G-A.
Other names: c.973G>A, p.Gly325Ser (NM_016941.4); short protein forms G325S.
Identifiers: ClinVar variation 1506258 (VCV001506258.8), dbSNP rs780479340, ClinGen allele CA9432325.